The following is an entry in ClinVar:

ClinVar aggregate classification (germline): Uncertain significance (1 of 4 stars; one submission).

Submission:

GeneDx
Classification: Uncertain significance. Last evaluated: 2024-07-02. Review status: criteria provided, single submitter. Criteria: GeneDx Variant Classification Process June 2021. Collection method: clinical testing. Allele origin: germline. Affected: yes.
Comment: Not observed at significant frequency in large population cohorts (gnomAD); In-frame deletion of 1 amino acids in a non-repeat region; In silico analysis supports a deleterious effect on protein structure/function; Has not been previously published as pathogenic or benign to our knowledge

NM_001032283.3(TMPO):c.565+1812_565+1814del

Gene: TMPO (thymopoietin; plus strand). Cytogenetic location: 12q23.1.
Variant type: Deletion.
Coding change: c.565+1812_565+1814del on transcript NM_001032283.3 (MANE Select); bases 1812 to 1814 of the intron after coding-DNA position 565, 3 bases deleted (GTC; older notation c.565+1812_565+1814delGTC).
Molecular consequence: intron variant.
Genome position (GRCh38, 1-based): chr12:98,533,650-98,533,652, GTC deleted. VCF-style (leftmost placement, unchanged base first): chr12-98533649-TGTC-T. GRCh37 (hg19) VCF-style: chr12-98927427-TGTC-T.
Other names: c.1393_1395del, p.Val465del (NM_003276.2); c.565+1812_565+1814del (NM_001307975.2, NM_001032284.3); short protein forms V465del.
Identifiers: ClinVar variation 3393643 (VCV003393643.1).